The following is an entry in ClinVar:

NM_001386135.1(AFF3):c.1631G>A (p.Gly544Asp)

Gene: AFF3 (ALF transcription elongation factor 3; minus strand). Cytogenetic location: 2q11.2.
Variant type: single nucleotide variant.
Coding change: c.1631G>A on transcript NM_001386135.1 (MANE Select); coding-DNA position 1631, G replaced by A.
Protein change: p.Gly544Asp; replaces glycine 544 with aspartic acid.
Molecular consequence: missense variant.
Genome position (GRCh38, 1-based): chr2:99,594,030, C>T on the plus strand (G>A on the coding strand, the complement: AFF3 is on the minus strand). VCF-style: chr2-99594030-C-T. GRCh37 (hg19) VCF-style: chr2-100210492-C-T.
Other names: c.1706G>A, p.Gly569Asp (NM_001025108.2); c.1631G>A, p.Gly544Asp (NM_002285.3); short protein forms G544D, G569D.
Identifiers: ClinVar variation 3895794 (VCV003895794.1).

ClinVar aggregate classification (germline): Uncertain significance (1 of 4 stars; one submission).

gnomAD v4.1: 5 of 1,604,742 alleles (0.00031%); highest among the groups gnomAD compares: African/African-American, 0.0013%; no homozygotes.

Submission:

Women's Health and Genetics/Laboratory Corporation of America, LabCorp
Classification: Uncertain significance. Last evaluated: 2025-03-06. Review status: criteria provided, single submitter. Criteria: LabCorp Variant Classification Summary - May 2015. Collection method: clinical testing. Allele origin: germline.
Comment: Variant summary: AFF3 c.1631G>A (p.Gly544Asp) results in a non-conservative amino acid change in the encoded protein sequence. Four of five in-silico tools predict a benign effect of the variant on protein function. The variant was absent in 242606 control chromosomes. The available data on variant occurrences in the general population are insufficient to allow any conclusion about variant significance. To our knowledge, no occurrence of c.1631G>A in individuals affected with KINSSHIP Syndrome and no experimental evidence demonstrating its impact on protein function have been reported. No submitters have cited clinical-significance assessments for this variant to ClinVar. Based on the evidence outlined above, the variant was classified as uncertain significance.